The following is an entry in ClinVar:

ClinVar aggregate classification (germline): Uncertain significance. Review status: criteria provided, single submitter (1 of 4 stars). 2 submissions from 2 submitters: Uncertain significance (1). 1 of the submissions does not count toward it. Last evaluated 2018-02-09.

Conditions:
PKLR-related disorder. Also called: PKLR-related condition.
Pyruvate kinase deficiency of red cells (CNSHA2). Also called: PK DEFICIENCY; PYRUVATE KINASE DEFICIENCY OF ERYTHROCYTE; Pyruvate kinase deficiency, Amish type. Identifiers: Orphanet 766, MedGen C0340968, MONDO:0009950, OMIM 266200.

Allele frequency attached by ClinVar (database versions not stated): gnomAD 0.00005 and 0.00008; TOPMed 0.00006; 1000 Genomes Project 0.00040; 1000 Genomes Project 30x 0.00062.
gnomAD v4.1: 106 of 1,600,686 alleles (0.0066%); highest among the groups gnomAD compares: East Asian, 0.082%; no homozygotes.

Submissions (2):

Illumina Laboratory Services, Illumina
Classification: Uncertain significance for Pyruvate kinase deficiency of red cells. Last evaluated: 2018-02-09. Review status: criteria provided, single submitter. Criteria: ICSL Variant Classification Criteria 13 December 2019. Collection method: clinical testing. Allele origin: germline.
Comment: This variant was observed as part of a predisposition screen in an ostensibly healthy population. A literature search was performed for the gene, cDNA change, and amino acid change (where applicable). Publications were found based on this search. However, the evidence from the literature, in combination with allele frequency data from public databases where available, was not sufficient to rule this variant in or out of causing disease. Therefore, this variant is classified as a variant of unknown significance.

PreventionGenetics, part of Exact Sciences
Classification: Likely benign for PKLR-related condition. Last evaluated: 2023-01-26. Review status: no assertion criteria provided. Collection method: clinical testing. Allele origin: germline. Not counted in ClinVar's aggregate classification.
Comment: This variant is classified as likely benign based on ACMG/AMP sequence variant interpretation guidelines (Richards et al. 2015 PMID: 25741868, with internal and published modifications).

Literature cited by the submitters: PubMed 26658699 (cited by Illumina Laboratory Services, Illumina).

NM_000298.6(PKLR):c.122G>A (p.Arg41Gln)

Gene: PKLR (pyruvate kinase L/R; minus strand). Cytogenetic location: 1q22.
Variant type: single nucleotide variant.
Coding change: c.122G>A on transcript NM_000298.6 (MANE Select); coding-DNA position 122, G replaced by A.
Protein change: p.Arg41Gln; replaces arginine 41 with glutamine.
Molecular consequence: missense variant.
Genome position (GRCh38, 1-based): chr1:155,300,259, C>T on the plus strand (G>A on the coding strand, the complement: PKLR is on the minus strand). VCF-style: chr1-155300259-C-T. GRCh37 (hg19) VCF-style: chr1-155270050-C-T.
Other names: c.29G>A, p.Arg10Gln (NM_181871.4); short protein forms R10Q, R41Q.
Identifiers: ClinVar variation 876547 (VCV000876547.6), dbSNP rs374805791, ClinGen allele CA1144439.